The following is an entry in ClinVar:

NM_004795.4(KL):c.807C>G (p.His269Gln)

Genes: KL (klotho; plus strand), LOC130009539 (ATAC-STARR-seq lymphoblastoid silent region 5254; plus strand). Cytogenetic location: 13q13.1.
Variant type: single nucleotide variant.
Coding change: c.807C>G on transcript NM_004795.4 (MANE Select); coding-DNA position 807, C replaced by G.
Protein change: p.His269Gln; replaces histidine 269 with glutamine.
Molecular consequence: missense variant.
Genome position (GRCh38, 1-based): chr13:33,017,247, C>G. VCF-style: chr13-33017247-C-G. GRCh37 (hg19) VCF-style: chr13-33591385-C-G.
Other names: p.His269Gln; c.807C>G (NM_004795.3); short protein forms H269Q.
Identifiers: ClinVar variation 1596590 (VCV001596590.11), dbSNP rs368291756, ClinGen allele CA6943959.

ClinVar aggregate classification (germline): Likely benign. Review status: criteria provided, multiple submitters, no conflicts (2 of 4 stars). 3 submissions from 3 submitters: Likely benign (2). 1 of the submissions does not count toward it. Last evaluated 2025-12-05.

Conditions:
KL-related disorder. Also called: KL-related condition.

Allele frequency attached by ClinVar (database versions not stated): gnomAD exomes 0.00031; ESP Exome Variant Server 0.00041; ExAC 0.00042; gnomAD 0.00108 and 0.00118; 1000 Genomes Project 0.00120; 1000 Genomes Project 30x 0.00125; TOPMed 0.00130.

Submissions (3):

Labcorp Genetics (formerly Invitae), Labcorp
Classification: Likely benign. Last evaluated: 2025-12-05. Review status: criteria provided, single submitter. Criteria: Invitae Variant Classification Sherloc (09022015). Collection method: clinical testing. Allele origin: germline.

Mayo Clinic Laboratories, Mayo Clinic
Classification: Likely benign. Last evaluated: 2025-12-05. Review status: criteria provided, single submitter. Criteria: ACMG Guidelines, 2015. Collection method: clinical testing. Allele origin: germline. Observed: 2 variant alleles.
Comment: BS1

PreventionGenetics, part of Exact Sciences
Classification: Likely benign for KL-related condition. Last evaluated: 2022-04-14. Review status: no assertion criteria provided. Collection method: clinical testing. Allele origin: germline. Not counted in ClinVar's aggregate classification.
Comment: This variant is classified as likely benign based on ACMG/AMP sequence variant interpretation guidelines (Richards et al. 2015 PMID: 25741868, with internal and published modifications).